The following is an entry in ClinVar:

NM_000550.3(TYRP1):c.48del (p.Leu16fs)

Gene: TYRP1 (tyrosinase related protein 1; plus strand). Cytogenetic location: 9p23.
Variant type: Deletion.
Coding change: c.48del on transcript NM_000550.3 (MANE Select); coding-DNA position 48, one base deleted (G; older notation c.48delG).
Protein change: p.Leu16fs; shifts the reading frame from leucine 16.
Molecular consequence: frameshift variant.
Genome position (GRCh38, 1-based): chr9:12,694,044, G deleted. VCF-style (leftmost placement, unchanged base first): chr9-12694043-TG-T. GRCh37 (hg19) VCF-style: chr9-12694043-TG-T.
Other names: short protein forms L16fs.
Identifiers: ClinVar variation 2771899 (VCV002771899.3), dbSNP rs2537274013, ClinGen allele CA2697550317.

ClinVar aggregate classification (germline): Pathogenic (1 of 4 stars; one submission).

Submission:

Labcorp Genetics (formerly Invitae), Labcorp
Classification: Pathogenic. Last evaluated: 2023-10-26. Review status: criteria provided, single submitter. Criteria: Invitae Variant Classification Sherloc (09022015). Collection method: clinical testing. Allele origin: germline.
Comment: This sequence change creates a premature translational stop signal (p.Leu16Phefs*21) in the TYRP1 gene. It is expected to result in an absent or disrupted protein product. Loss-of-function variants in TYRP1 are known to be pathogenic (PMID: 8651291, 9345097). This variant is not present in population databases (gnomAD no frequency). This variant has not been reported in the literature in individuals affected with TYRP1-related conditions. For these reasons, this variant has been classified as Pathogenic.

Literature cited by the submitters: PubMed 8651291; PubMed 9345097.